The following is an entry in ClinVar:

NM_001572.5(IRF7):c.1256C>T (p.Ala419Val)

Gene: IRF7 (interferon regulatory factor 7; minus strand). Cytogenetic location: 11p15.5.
Variant type: single nucleotide variant.
Coding change: c.1256C>T on transcript NM_001572.5 (MANE Select); coding-DNA position 1256, C replaced by T.
Protein change: p.Ala419Val; replaces alanine 419 with valine.
Molecular consequence: missense variant.
Genome position (GRCh38, 1-based): chr11:613,099, G>A on the plus strand (C>T on the coding strand, the complement: IRF7 is on the minus strand). VCF-style: chr11-613099-G-A. GRCh37 (hg19) VCF-style: chr11-613099-G-A.
Other names: c.1169C>T, p.Ala390Val (NM_004029.4); c.1295C>T, p.Ala432Val (NM_004031.4); short protein forms A432V, A390V, A419V.
Identifiers: ClinVar variation 3286537 (VCV003286537.3).

ClinVar aggregate classification (germline): Uncertain significance. Review status: criteria provided, multiple submitters, no conflicts (2 of 4 stars). 2 submissions from 2 submitters: Uncertain significance (2). Last evaluated 2024-11-13.

Conditions:
Immunodeficiency 39 (IMD39). Identifiers: Orphanet 574918, MedGen C4225358, MONDO:0014597, OMIM 616345.

Submissions (2):

Labcorp Genetics (formerly Invitae), Labcorp
Classification: Uncertain significance for Immunodeficiency 39. Last evaluated: 2024-11-13. Review status: criteria provided, single submitter. Criteria: Invitae Variant Classification Sherloc (09022015). Collection method: clinical testing. Allele origin: germline.
Comment: This sequence change replaces alanine, which is neutral and non-polar, with valine, which is neutral and non-polar, at codon 432 of the IRF7 protein (p.Ala432Val). This variant is not present in population databases (gnomAD no frequency). This variant has not been reported in the literature in individuals affected with IRF7-related conditions. Invitae Evidence Modeling of protein sequence and biophysical properties (such as structural, functional, and spatial information, amino acid conservation, physicochemical variation, residue mobility, and thermodynamic stability) has been performed for this missense variant. However, the output from this modeling did not meet the statistical confidence thresholds required to predict the impact of this variant on IRF7 protein function. In summary, the available evidence is currently insufficient to determine the role of this variant in disease. Therefore, it has been classified as a Variant of Uncertain Significance.

Ambry Genetics
Classification: Uncertain significance. Last evaluated: 2024-03-19. Review status: criteria provided, single submitter. Criteria: Ambry Variant Classification Scheme 2023. Collection method: clinical testing. Allele origin: germline.